The following is an entry in ClinVar:

NM_000169.3(GLA):c.413G>T (p.Gly138Val)

Genes: RPL36A-HNRNPH2 (RPL36A-HNRNPH2 readthrough; plus strand), GLA (galactosidase alpha; minus strand). Cytogenetic location: Xq22.1.
Variant type: single nucleotide variant.
Coding change: c.413G>T on transcript NM_000169.3 (MANE Select); coding-DNA position 413, G replaced by T.
Protein change: p.Gly138Val; replaces glycine 138 with valine.
Molecular consequence: missense variant. On other transcripts: non-coding transcript variant (3), intron variant (2).
Genome position (GRCh38, 1-based): chrX:101,401,766, C>A on the plus strand (G>T on the coding strand, the complement: GLA is on the minus strand). VCF-style: chrX-101401766-C-A. GRCh37 (hg19) VCF-style: chrX-100656754-C-A.
Other names: c.536G>T, p.Gly179Val (NM_001406747.1, NM_001406749.1); c.413G>T, p.Gly138Val (NM_001406748.1); c.300+6309C>A (NM_001199973.2); c.177+9944C>A (NM_001199974.2); short protein forms G138V, G179V.
Identifiers: ClinVar variation 3665123 (VCV003665123.2).

ClinVar aggregate classification (germline): Likely pathogenic (1 of 4 stars; one submission).

Conditions:
Fabry disease. Also called: Fabry's disease; ALPHA-GALACTOSIDASE A DEFICIENCY; ANDERSON-FABRY DISEASE; CERAMIDE TRIHEXOSIDASE DEFICIENCY; GLA DEFICIENCY; HEREDITARY DYSTOPIC LIPIDOSIS. Identifiers: Orphanet 324, MedGen C0002986, MONDO:0010526, OMIM 301500, HP:0001071. Disease mechanism: Fabry disease is due to inactivating mutations in the X-linked GLA gene resulting in deficiency of the enzyme Alpha Galactosidase-A., loss of function.

Submission:

Labcorp Genetics (formerly Invitae), Labcorp
Classification: Likely pathogenic for Fabry disease. Last evaluated: 2024-10-06. Review status: criteria provided, single submitter. Criteria: Invitae Variant Classification Sherloc (09022015). Collection method: clinical testing. Allele origin: germline.
Comment: This sequence change replaces glycine, which is neutral and non-polar, with valine, which is neutral and non-polar, at codon 138 of the GLA protein (p.Gly138Val). This variant is not present in population databases (gnomAD no frequency). This missense change has been observed in individual(s) with clinical features of Fabry disease (internal data). Invitae Evidence Modeling of protein sequence and biophysical properties (such as structural, functional, and spatial information, amino acid conservation, physicochemical variation, residue mobility, and thermodynamic stability) indicates that this missense variant is expected to disrupt GLA protein function with a positive predictive value of 80%. This variant disrupts the p.Gly138 amino acid residue in GLA. Other variant(s) that disrupt this residue have been determined to be pathogenic (PMID: 15091117, 15713906, 30380558, 30762167). This suggests that this residue is clinically significant, and that variants that disrupt this residue are likely to be disease-causing. In summary, the currently available evidence indicates that the variant is pathogenic, but additional data are needed to prove that conclusively. Therefore, this variant has been classified as Likely Pathogenic.

Literature cited by the submitters: PubMed 15091117; PubMed 15713906; PubMed 30380558; PubMed 30762167.